The following is an entry in ClinVar:

ClinVar aggregate classification (germline): Pathogenic/Likely pathogenic. Review status: criteria provided, multiple submitters, no conflicts (2 of 4 stars). 3 submissions from 3 submitters: Pathogenic (1); Likely pathogenic (1). 1 of the submissions does not count toward it. Last evaluated 2023-08-02.

Conditions:
Multiple sulfatase deficiency (MSD). Also called: Multiple Sulfatase Deficiency Disease; Sulfatidosis, Juvenile, Austin Type; Mucosulfatidosis. Identifiers: Orphanet 585, MedGen C0268263, MONDO:0010088, OMIM 272200.

Allele frequency attached by ClinVar (database versions not stated): gnomAD exomes below 0.00001; gnomAD 0.00001; TOPMed 0.00001.

Submissions (3):

Labcorp Genetics (formerly Invitae), Labcorp
Classification: Likely pathogenic for Multiple sulfatase deficiency. Last evaluated: 2023-08-02. Review status: criteria provided, single submitter. Criteria: Invitae Variant Classification Sherloc (09022015). Collection method: clinical testing. Allele origin: germline.
Comment: This sequence change affects an acceptor splice site in intron 2 of the SUMF1 gene. It is expected to disrupt RNA splicing. Variants that disrupt the donor or acceptor splice site typically lead to a loss of protein function (PMID: 16199547), and loss-of-function variants in SUMF1 are known to be pathogenic (PMID: 12757705, 12757706, 25885655). This variant is present in population databases (no rsID available, gnomAD 0.004%). This variant has not been reported in the literature in individuals affected with SUMF1-related conditions. ClinVar contains an entry for this variant (Variation ID: 1066911). Algorithms developed to predict the effect of sequence changes on RNA splicing suggest that this variant may disrupt the consensus splice site. In summary, the currently available evidence indicates that the variant is pathogenic, but additional data are needed to prove that conclusively. Therefore, this variant has been classified as Likely Pathogenic.

Revvity Omics, Revvity
Classification: Pathogenic for Multiple sulfatase deficiency. Last evaluated: 2019-10-15. Review status: criteria provided, single submitter. Criteria: ACMG Guidelines, 2015. Collection method: clinical testing. Allele origin: germline.

Natera, Inc.
Classification: Likely pathogenic for Multiple sulfatase deficiency. Last evaluated: 2021-06-25. Review status: no assertion criteria provided. Collection method: clinical testing. Allele origin: germline. Not counted in ClinVar's aggregate classification.

Literature cited by the submitters: PubMed 16199547 (cited by Labcorp Genetics (formerly Invitae), Labcorp); PubMed 12757705 (cited by Labcorp Genetics (formerly Invitae), Labcorp); PubMed 12757706 (cited by Labcorp Genetics (formerly Invitae), Labcorp); PubMed 25885655 (cited by Labcorp Genetics (formerly Invitae), Labcorp).

NM_182760.4(SUMF1):c.445-1G>A

Gene: SUMF1 (sulfatase modifying factor 1; minus strand). Cytogenetic location: 3p26.1.
Variant type: single nucleotide variant.
Coding change: c.445-1G>A on transcript NM_182760.4 (MANE Select); the canonical splice acceptor site of the intron before coding-DNA position 445, G replaced by A.
Molecular consequence: splice acceptor variant. On other transcripts: intron variant (1).
Genome position (GRCh38, 1-based): chr3:4,449,341, C>T on the plus strand (G>A on the coding strand, the complement: SUMF1 is on the minus strand). VCF-style: chr3-4449341-C-T. GRCh37 (hg19) VCF-style: chr3-4491025-C-T.
Other names: c.444+3535G>A (NM_001164674.2); c.445-1G>A (NM_001164675.2).
Identifiers: ClinVar variation 1066911 (VCV001066911.13), dbSNP rs1237016251, ClinGen allele CA351793053.